The following is an entry in ClinVar:

NM_001100.4(ACTA1):c.685A>T (p.Met229Leu)

Gene: ACTA1 (actin alpha 1, skeletal muscle; minus strand). Cytogenetic location: 1q42.13.
Variant type: single nucleotide variant.
Coding change: c.685A>T on transcript NM_001100.4 (MANE Select); coding-DNA position 685, A replaced by T.
Protein change: p.Met229Leu; replaces methionine 229 with leucine.
Molecular consequence: missense variant.
Genome position (GRCh38, 1-based): chr1:229,432,117, T>A on the plus strand (A>T on the coding strand, the complement: ACTA1 is on the minus strand). VCF-style: chr1-229432117-T-A. GRCh37 (hg19) VCF-style: chr1-229567864-T-A.
Other names: NM_001100.4(ACTA1):c.685A>T; p.Met229Leu; short protein forms M229L.
Identifiers: ClinVar variation 657321 (VCV000657321.10), dbSNP rs794727714, ClinGen allele CA345147069.
Genomic context (GRCh38, chr1:229,432,117, plus strand): 5'-CCTGCCCGTCTGGCAGCTCGTAGCTCTTTTCCAGGGAGGAGGAGGAGGCGGCCGTCGCCA[T>A]CTCGTTCTCGAAGTCCAGGGCCACGTAGCACAGCTTCTCCTTGATGTCGCGCACGATCTC-3'
Protein context (NP_001091.1, residues 219-239): CYVALDFENE[Met229Leu]ATAASSSSLE

ClinVar aggregate classification (germline): Likely pathogenic. Review status: reviewed by expert panel (3 of 4 stars). 2 submissions from 2 submitters: Likely pathogenic (1). 1 of the submissions does not count toward it. Last evaluated 2026-06-08.

Conditions:
Actin accumulation myopathy (CMYO2A). Also called: CONGENITAL MYOPATHY 2A, TYPICAL, AUTOSOMAL DOMINANT; Myopathy, actin, congenital, with cores; Nemaline myopathy 3, with intranuclear rods; Nemaline myopathy type 3; Myopathy, actin, congenital, with excess of thin myofilaments. Identifiers: Orphanet 98904, MedGen C3711389, MONDO:0008070, OMIM 161800.
Alpha-actinopathy. Also called: Actinopathy. Identifiers: MedGen CN295279, MONDO:0100084.

Submissions (2):

ClinGen Congenital Myopathies Variant Curation Expert Panel, ClinGen
Classification: Likely pathogenic for Alpha-actinopathy. Last evaluated: 2026-06-08. Review status: reviewed by expert panel. Criteria: ClinGen CongenMyopathy ACMG Specifications ACTA1_AD_ V2.0.0. Collection method: curation. Allele origin: germline. Inheritance: Autosomal dominant inheritance.
Comment: The variant NM_001100.4:c.685A>T in ACTA1 is a missense variant predicted to cause substitution of methionine by leucine at amino acid 229 (p.Met229Leu). This variant is absent from gnomAD v4.1.0 (PM2_Supporting). The REVEL computational prediction analysis tool produced a score of 0.617, which is neither above nor below the thresholds predicting a damaging or benign impact on ACTA1 function. ACTA1, in which the variant was identified, is defined by the ClinGen Congenital Myopathies VCEP as a gene that has a low rate of benign missense variation and where pathogenic missense variants are a common mechanism of disease (PP2). Six different missense variants, [c.685A>G (p.Met229Val), c.686T>G (p.Met229Arg), c.686T>C (p.Met229Thr), c.687G>A (p.Met229Ile), c.687G>C (p.Met229Ile), c.687G>T (p.Met229Ile)], in the same codon have been reported in patients with congenital myopathies (PMIDs: 12921789, 19562689, VCEP internal contributor], of which at least two has met the criteria to be classified as pathogenic by the ClinGen Congenital Myopathies VCEP (PM5_Strong). This variant has been reported in a proband with features of congenital myopathy (PS4 not met; Labcorp Genetics, ClinVar Accession: SCV000954285.6). In summary, the variant meets criteria to be classified as likely pathogenic for autosomal dominant alpha-actinopathy. ACMG/AMP criteria met, as specified by the ClinGen Congenital Myopathies VCEP: PM5_Strong, PM2_P, PP3 (ClinGen Congenital Myopathies VCEP specifications version 2.0.0).

Labcorp Genetics (formerly Invitae), Labcorp
Classification: Likely pathogenic for Actin accumulation myopathy. Last evaluated: 2022-07-05. Review status: criteria provided, single submitter. Criteria: Invitae Variant Classification Sherloc (09022015). Collection method: clinical testing. Allele origin: germline. Not counted in ClinVar's aggregate classification.
Comment: This variant disrupts the p.Met229 amino acid residue in ACTA1. Other variant(s) that disrupt this residue have been determined to be pathogenic (PMID: 12921789, 15236405). This suggests that this residue is clinically significant, and that variants that disrupt this residue are likely to be disease-causing. Advanced modeling of protein sequence and biophysical properties (such as structural, functional, and spatial information, amino acid conservation, physicochemical variation, residue mobility, and thermodynamic stability) performed at Invitae indicates that this missense variant is expected to disrupt ACTA1 protein function. ClinVar contains an entry for this variant (Variation ID: 657321). This variant is also known as p.Met227. This missense change has been observed in individual(s) with clinical features of ACTA1-related conditions (Invitae). This variant is not present in population databases (gnomAD no frequency). This sequence change replaces methionine, which is neutral and non-polar, with leucine, which is neutral and non-polar, at codon 229 of the ACTA1 protein (p.Met229Leu). In summary, the currently available evidence indicates that the variant is pathogenic, but additional data are needed to prove that conclusively. Therefore, this variant has been classified as Likely Pathogenic.

Literature cited by the submitters: PubMed 12921789 (cited by Labcorp Genetics (formerly Invitae), Labcorp); PubMed 15236405 (cited by Labcorp Genetics (formerly Invitae), Labcorp).